The following is an entry in ClinVar:

ClinVar aggregate classification (germline): Pathogenic/Likely pathogenic. Review status: criteria provided, multiple submitters, no conflicts (2 of 4 stars). 3 submissions from 3 submitters: Pathogenic (2); Likely pathogenic (1). Last evaluated 2024-07-14.

Conditions:
Hereditary hemorrhagic telangiectasia (HHT). Also called: ORW DISEASE; Osler Weber Rendu syndrome; OSLER-RENDU-WEBER DISEASE; Osler hemorrhagic telangiectasia syndrome. Identifiers: Orphanet 774, MedGen C0039445, MONDO:0019180. Disease mechanism: loss of function.
ENG-related disorder. Also called: ENG-related condition; ENG-related disorders.
Cardiovascular phenotype. Identifiers: MedGen CN230736.

Submissions (3):

Labcorp Genetics (formerly Invitae), Labcorp
Classification: Likely pathogenic for Hereditary hemorrhagic telangiectasia. Last evaluated: 2024-07-14. Review status: criteria provided, single submitter. Criteria: Invitae Variant Classification Sherloc (09022015). Collection method: clinical testing. Allele origin: germline.
Comment: This sequence change falls in intron 2 of the ENG gene. It does not directly change the encoded amino acid sequence of the ENG protein. RNA analysis indicates that this variant induces altered splicing and may result in an absent or altered protein product. This variant is not present in population databases (gnomAD no frequency). This variant has been observed in individual(s) with clinical features of hereditary hemorrhagic telangiectasia (PMID: 12673790; Invitae). This variant is also known as IVS2+5G>A. ClinVar contains an entry for this variant (Variation ID: 1496846). Variants that disrupt the consensus splice site are a relatively common cause of aberrant splicing (PMID: 17576681, 9536098). Studies have shown that this variant results in skipping of exon 2, and produces a non-functional protein and/or introduces a premature termination codon (PMID: 12673790). In summary, the currently available evidence indicates that the variant is pathogenic, but additional data are needed to prove that conclusively. Therefore, this variant has been classified as Likely Pathogenic.

Blueprint Genetics
Classification: Pathogenic for ENG-related disorders. Last evaluated: 2022-03-09. Review status: criteria provided, single submitter. Criteria: ACMG Guidelines, 2015. Collection method: clinical testing. Allele origin: germline. Affected: yes. Observed: 1 variant allele.

Ambry Genetics
Classification: Pathogenic for Cardiovascular phenotype. Last evaluated: 2017-01-17. Review status: criteria provided, single submitter. Criteria: Ambry Variant Classification Scheme 2023. Collection method: clinical testing. Allele origin: germline.
Comment: The c.219+5G>A intronic pathogenic mutation results from a G to A substitution 5 nucleotides after coding exon 2 in the ENG gene. This mutation (referred to as g.IVS2+5G>A) was identified in 3 newborns with a family history of HHT. Amplification and sequencing of cDNA confirmed this splicing defect leads to exon skipping. Although the newborns were asymptomatic, protein analysis in 2 of the newborns demonstrated a reduction of endoglin levels to approximately half of wild type levels (Cymerman U et al. Hum. Mutat., 2003 May;21:482-92). In our internal cohort, this alteration has been detected in two unrelated individuals with pulmonary arteriovenous malformations, epistaxis, and telangiectases. In addition, another disease causing alteration (c.219+5G>C) has been described at the same nucleotide (Lesca G et al. Hum. Mutat., 2006 Jun;27:598). Based on the supporting evidence, this alteration is interpreted as a disease-causing mutation.

Literature cited by the submitters: PubMed 12673790 (cited by Labcorp Genetics (formerly Invitae), Labcorp and Ambry Genetics); PubMed 17576681 (cited by Labcorp Genetics (formerly Invitae), Labcorp); PubMed 9536098 (cited by Labcorp Genetics (formerly Invitae), Labcorp); PubMed 16705692 (cited by Ambry Genetics).

NM_001114753.3(ENG):c.219+5G>A

Gene: ENG (endoglin; minus strand). Cytogenetic location: 9q34.11.
Variant type: single nucleotide variant.
Coding change: c.219+5G>A on transcript NM_001114753.3 (MANE Select); 5 bases into the intron after coding-DNA position 219, G replaced by A.
Molecular consequence: intron variant.
Genome position (GRCh38, 1-based): chr9:127,843,089, C>T on the plus strand (G>A on the coding strand, the complement: ENG is on the minus strand). VCF-style: chr9-127843089-C-T. GRCh37 (hg19) VCF-style: chr9-130605368-C-T.
Other names: c.219+5G>A (NM_000118.4, NM_001406715.1); c.-328+5G>A (NM_001278138.2).
Identifiers: ClinVar variation 1496846 (VCV001496846.10), dbSNP rs1554812252, ClinGen allele CA2573143969.